The following is an entry in ClinVar:

NM_014498.5(GOLIM4):c.313-10del

Gene: GOLIM4 (golgi integral membrane protein 4; minus strand). Cytogenetic location: 3q26.2.
Variant type: Deletion.
Coding change: c.313-10del on transcript NM_014498.5 (MANE Select); 10 bases into the intron before coding-DNA position 313, one base deleted (T; older notation c.313-10delT).
Molecular consequence: intron variant.
Genome position (GRCh38, 1-based): chr3:168,044,891, A deleted on the plus strand (T on the coding strand, the reverse complement: GOLIM4 is on the minus strand); the first of 12 consecutive A bases (chr3:168,044,891-168,044,902); deleting any one gives the same sequence. VCF-style (leftmost placement, unchanged base first): chr3-168044890-CA-C. GRCh37 (hg19) VCF-style: chr3-167762678-CA-C.
Other names: NC_000003.11:g.167762690del; p.?; c.313-21del (NM_014498.5); c.313-10del (NM_001308155.2).
Identifiers: ClinVar variation 4288032 (VCV004288032.2).
Genomic context (GRCh38, chr3:168,044,890, plus strand): 5'-TCAACATCTGATGTTGGACATTCAGTGCACTGTATCTGCTATTGGAATCTTGCTGTAAAT[CA>C]AAAAAAAAAAAGAAAACACAAAGATAAATATGGCTCTCTTGTTAAATACAGCTTAAAGCA-3'

ClinVar aggregate classification (germline): Benign (1 of 4 stars; one submission).

Submissions (8):

Mayo Clinic Laboratories, Mayo Clinic
Classification: Benign. Last evaluated: 2023-02-24. Review status: criteria provided, single submitter. Criteria: ACMG Guidelines, 2015. Collection method: clinical testing. Allele origin: germline. Observed: 4 variant alleles.
Comment: BA1, BP4, BP7

Dr. Peter K. Rogan Lab, Western University
No classification provided (evidence only). Condition: Familial cancer of breast. Review status: no classification provided. Collection method: in vitro. Allele origin: not applicable. Functional consequence: retained intron. Not counted in ClinVar's aggregate classification.

Dr. Peter K. Rogan Lab, Western University
No classification provided (evidence only). Condition: Cholangiocarcinoma. Review status: no classification provided. Collection method: in vitro. Allele origin: not applicable. Functional consequence: retained intron. Not counted in ClinVar's aggregate classification.

Dr. Peter K. Rogan Lab, Western University
No classification provided (evidence only). Condition: Malignant tumor of esophagus. Review status: no classification provided. Collection method: in vitro. Allele origin: not applicable. Functional consequence: retained intron. Not counted in ClinVar's aggregate classification.

Dr. Peter K. Rogan Lab, Western University
No classification provided (evidence only). Condition: Malignant tumor of esophagus. Review status: no classification provided. Collection method: in vitro. Allele origin: not applicable. Functional consequence: retained intron. Not counted in ClinVar's aggregate classification.

Dr. Peter K. Rogan Lab, Western University
No classification provided (evidence only). Condition: Malignant tumor of esophagus. Review status: no classification provided. Collection method: in vitro. Allele origin: not applicable. Functional consequence: retained intron. Not counted in ClinVar's aggregate classification.

Dr. Peter K. Rogan Lab, Western University
No classification provided (evidence only). Condition: Malignant tumor of esophagus. Review status: no classification provided. Collection method: in vitro. Allele origin: not applicable. Functional consequence: retained intron. Not counted in ClinVar's aggregate classification.

Dr. Peter K. Rogan Lab, Western University
No classification provided (evidence only). Condition: Malignant tumor of esophagus. Review status: no classification provided. Collection method: in vitro. Allele origin: not applicable. Functional consequence: retained intron. Not counted in ClinVar's aggregate classification.